The following is an entry in ClinVar:

NM_198253.3(TERT):c.3199T>G (p.Ser1067Ala)

Gene: TERT (telomerase reverse transcriptase; minus strand). Cytogenetic location: 5p15.33.
Variant type: single nucleotide variant.
Coding change: c.3199T>G on transcript NM_198253.3 (MANE Select); coding-DNA position 3199, T replaced by G.
Protein change: p.Ser1067Ala; replaces serine 1067 with alanine.
Molecular consequence: missense variant. On other transcripts: non-coding transcript variant (2).
Genome position (GRCh38, 1-based): chr5:1,254,464, A>C on the plus strand (T>G on the coding strand, the complement: TERT is on the minus strand). VCF-style: chr5-1254464-A-C. GRCh37 (hg19) VCF-style: chr5-1254579-A-C.
Other names: c.3010T>G, p.Ser1004Ala (NM_001193376.3); c.3199T>G (NM_198253.2); short protein forms S1004A, S1067A.
Identifiers: ClinVar variation 1481753 (VCV001481753.8), dbSNP rs1747570810, ClinGen allele CA359067446.

ClinVar aggregate classification (germline): Uncertain significance. Review status: criteria provided, multiple submitters, no conflicts (2 of 4 stars). 3 submissions from 3 submitters: Uncertain significance (3). Last evaluated 2025-04-07.

Conditions:
Idiopathic Pulmonary Fibrosis. Also called: Idiopathic fibrosing alveolitis, chronic form; idiopathic fibrosing alveolitis. Identifiers: Orphanet 2032, MedGen C1800706, MeSH D054990, MONDO:0800504.
Dyskeratosis congenita, autosomal dominant 2. Identifiers: MedGen C3151443, MONDO:0013521, OMIM 613989.
Dyskeratosis congenita. Identifiers: Orphanet 1775, MedGen C0265965, MONDO:0015780.

Allele frequency attached by ClinVar (database versions not stated): gnomAD exomes below 0.00001; TOPMed below 0.00001.
gnomAD v4.1: 2 of 1,612,914 alleles (0.00012%); highest among the groups gnomAD compares: Non-Finnish European, 0.000085%; no homozygotes.

Submissions (3):

Labcorp Genetics (formerly Invitae), Labcorp
Classification: Uncertain significance for Dyskeratosis congenita, autosomal dominant 2; Idiopathic Pulmonary Fibrosis. Last evaluated: 2025-04-07. Review status: criteria provided, single submitter. Criteria: Invitae Variant Classification Sherloc (09022015). Collection method: clinical testing. Allele origin: germline.
Comment: This sequence change replaces serine, which is neutral and polar, with alanine, which is neutral and non-polar, at codon 1067 of the TERT protein (p.Ser1067Ala). This variant is not present in population databases (gnomAD no frequency). This variant has not been reported in the literature in individuals affected with TERT-related conditions. ClinVar contains an entry for this variant (Variation ID: 1481753). Invitae Evidence Modeling of protein sequence and biophysical properties (such as structural, functional, and spatial information, amino acid conservation, physicochemical variation, residue mobility, and thermodynamic stability) indicates that this missense variant is not expected to disrupt TERT protein function with a negative predictive value of 95%. In summary, the available evidence is currently insufficient to determine the role of this variant in disease. Therefore, it has been classified as a Variant of Uncertain Significance.

Ambry Genetics
Classification: Uncertain significance for Dyskeratosis congenita. Last evaluated: 2025-01-19. Review status: criteria provided, single submitter. Criteria: Ambry Variant Classification Scheme 2023. Collection method: clinical testing. Allele origin: germline.
Comment: The p.S1067A variant (also known as c.3199T>G), located in coding exon 15 of the TERT gene, results from a T to G substitution at nucleotide position 3199. The serine at codon 1067 is replaced by alanine, an amino acid with similar properties. This amino acid position is conserved. In addition, this alteration is predicted to be tolerated by in silico analysis. Based on the available evidence, the clinical significance of this variant remains unclear.

Blueprint Genetics
Classification: Uncertain significance. Last evaluated: 2024-02-20. Review status: criteria provided, single submitter. Criteria: ACMG Guidelines, 2015. Collection method: clinical testing. Allele origin: germline.